The following is an entry in ClinVar:

NM_015662.3(IFT172):c.1720G>A (p.Gly574Arg)

Gene: IFT172 (intraflagellar transport 172; minus strand). Cytogenetic location: 2p23.3.
Variant type: single nucleotide variant.
Coding change: c.1720G>A on transcript NM_015662.3 (MANE Select); coding-DNA position 1720, G replaced by A.
Protein change: p.Gly574Arg; replaces glycine 574 with arginine.
Molecular consequence: missense variant.
Genome position (GRCh38, 1-based): chr2:27,465,855, C>T on the plus strand (G>A on the coding strand, the complement: IFT172 is on the minus strand). VCF-style: chr2-27465855-C-T. GRCh37 (hg19) VCF-style: chr2-27688722-C-T.
Other names: short protein forms G574R.
Identifiers: ClinVar variation 452333 (VCV000452333.11), dbSNP rs762521619, ClinGen allele CA1580542.

ClinVar aggregate classification (germline): Uncertain significance. Review status: criteria provided, multiple submitters, no conflicts (2 of 4 stars). 4 submissions from 4 submitters: Uncertain significance (4). Last evaluated 2026-03-14.

Conditions:
Short-rib thoracic dysplasia 10 with or without polydactyly (SRTD10). Identifiers: Orphanet 474, MedGen C3810175, MONDO:0014284, OMIM 615630.
Retinitis pigmentosa 71 (RP71). Identifiers: Orphanet 791, MedGen C4225342, MONDO:0014618, OMIM 616394.
Bardet-Biedl syndrome 20. Identifiers: MedGen C4310707, MONDO:0023670, OMIM 619471, MONDO:0014926.
IFT172-related disorder. Also called: IFT172-related condition; IFT172-related disorders.

Allele frequency attached by ClinVar (database versions not stated): TOPMed 0.00002; gnomAD 0.00003 and 0.00004.

Submissions (4):

PreventionGenetics, part of Exact Sciences
Classification: Uncertain significance for IFT172-related condition. Last evaluated: 2026-03-14. Review status: criteria provided, single submitter. Criteria: ACMG Guidelines, 2015. Collection method: clinical testing. Allele origin: germline.
Comment: The IFT172 c.1720G>A variant is predicted to result in the amino acid substitution p.Gly574Arg. To our knowledge, this variant has not been reported in the literature. This variant is reported in 0.016% of alleles in individuals of East Asian descent in gnomAD. At this time, the clinical significance of this variant is uncertain due to the absence of conclusive functional and genetic evidence.

GeneDx
Classification: Uncertain significance. Last evaluated: 2025-05-30. Review status: criteria provided, single submitter. Criteria: GeneDx Variant Classification Process June 2021. Collection method: clinical testing. Allele origin: germline. Affected: yes.
Comment: In silico analysis suggests that this missense variant does not alter protein structure/function; Has not been previously published as pathogenic or benign to our knowledge

Fulgent Genetics
Classification: Uncertain significance for Short-rib thoracic dysplasia 10 with or without polydactyly; Retinitis pigmentosa 71; Bardet-Biedl syndrome 20. Last evaluated: 2024-04-04. Review status: criteria provided, single submitter. Criteria: ACMG Guidelines, 2015. Collection method: clinical testing. Allele origin: germline.

Labcorp Genetics (formerly Invitae), Labcorp
Classification: Uncertain significance for Retinitis pigmentosa 71; Short-rib thoracic dysplasia 10 with or without polydactyly. Last evaluated: 2022-07-26. Review status: criteria provided, single submitter. Criteria: Invitae Variant Classification Sherloc (09022015). Collection method: clinical testing. Allele origin: germline.
Comment: This sequence change replaces glycine, which is neutral and non-polar, with arginine, which is basic and polar, at codon 574 of the IFT172 protein (p.Gly574Arg). This variant is present in population databases (rs762521619, gnomAD 0.02%). This variant has not been reported in the literature in individuals affected with IFT172-related conditions. ClinVar contains an entry for this variant (Variation ID: 452333). Algorithms developed to predict the effect of missense changes on protein structure and function (SIFT, PolyPhen-2, Align-GVGD) all suggest that this variant is likely to be tolerated. In summary, the available evidence is currently insufficient to determine the role of this variant in disease. Therefore, it has been classified as a Variant of Uncertain Significance.